The following is an entry in ClinVar:

NM_001082971.2(DDC):c.322A>C (p.Ser108Arg)

Genes: DDC (dopa decarboxylase; minus strand), DDC-AS1 (DDC antisense RNA 1; plus strand). Cytogenetic location: 7p12.1.
Variant type: single nucleotide variant.
Coding change: c.322A>C on transcript NM_001082971.2 (MANE Select); coding-DNA position 322, A replaced by C.
Protein change: p.Ser108Arg; replaces serine 108 with arginine.
Molecular consequence: missense variant. On other transcripts: intron variant (1).
Genome position (GRCh38, 1-based): chr7:50,537,973, T>G on the plus strand (A>C on the coding strand, the complement: DDC is on the minus strand). VCF-style: chr7-50537973-T-G. GRCh37 (hg19) VCF-style: chr7-50605671-T-G.
Other names: c.322A>C, p.Ser108Arg (NM_000790.4, NM_001242887.2, NM_001242889.2 and 1 more transcripts); c.208A>C, p.Ser70Arg (NM_001242886.2); c.201+5912A>C (NM_001242888.2); short protein forms S108R, S70R.
Identifiers: ClinVar variation 1477046 (VCV001477046.9), dbSNP rs1364989731, ClinGen allele CA367528698.
Genomic context (GRCh38, chr7:50,537,973, plus strand): 5'-GTTCCAGCATCTTCCCGAGCCAGTCCATCATCACAGTCTCCAGCTCTGTGCATGCTGGGC[T>G]TGCCGCCTGTCGTGGGGGAAGGGAAGGGATTAACCGAGGGCCAGGCATTGCAGAATTTGG-3'
Protein context (NP_001076440.2, residues 98-118): IGCIGFSWAA[Ser108Arg]PACTELETVM

ClinVar aggregate classification (germline): Conflicting classifications of pathogenicity. Review status: criteria provided, conflicting classifications (1 of 4 stars). 2 submissions from 2 submitters: Likely pathogenic (1); Uncertain significance (1). Last evaluated 2026-03-27.

Conditions:
Deficiency of aromatic-L-amino-acid decarboxylase. Also called: AADC DEFICIENCY; DDC DEFICIENCY; DOPA DECARBOXYLASE DEFICIENCY; Aromatic L-Amino Acid Decarboxylase Deficiency; Aromatic amino acid decarboxylase deficiency. Identifiers: Orphanet 35708, MedGen C1291564, MONDO:0012084, OMIM 608643.

Allele frequency attached by ClinVar (database versions not stated): gnomAD exomes below 0.00001; TOPMed below 0.00001.
gnomAD v4.1: 2 of 1,614,166 alleles (0.00012%); highest among the groups gnomAD compares: Non-Finnish European, 0.000085%; no homozygotes.

Submissions (2):

Women's Health and Genetics/Laboratory Corporation of America, LabCorp
Classification: Likely pathogenic for Deficiency of aromatic-L-amino-acid decarboxylase. Last evaluated: 2026-03-27. Review status: criteria provided, single submitter. Criteria: LabCorp Variant Classification Summary - May 2015. Collection method: clinical testing. Allele origin: germline.
Comment: Variant summary: DDC c.322A>C (p.Ser108Arg) results in a non-conservative amino acid change in the encoded protein sequence. Algorithms developed to predict the effect of missense changes on protein structure and function are either unavailable or do not agree on the potential impact of this missense change. The variant allele was found at a frequency of 4e-06 in 251446 control chromosomes (gnomAD). c.322A>C has been observed in individuals affected with Deficiency Of Aromatic-L-Amino-Acid Decarboxylase (Pearson_2020, Himmelreich_2023). These data indicate that the variant is likely to be associated with disease. To our knowledge, no experimental evidence demonstrating an impact on protein function has been reported. The following publications have been ascertained in the context of this evaluation (PMID: 32369189, 37348148). ClinVar contains an entry for this variant (Variation ID: 1477046). Based on the evidence outlined above, the variant was classified as likely pathogenic.

Labcorp Genetics (formerly Invitae), Labcorp
Classification: Uncertain significance for Deficiency of aromatic-L-amino-acid decarboxylase. Last evaluated: 2021-02-02. Review status: criteria provided, single submitter. Criteria: Invitae Variant Classification Sherloc (09022015). Collection method: clinical testing. Allele origin: germline.
Comment: In summary, the available evidence is currently insufficient to determine the role of this variant in disease. Therefore, it has been classified as a Variant of Uncertain Significance. Algorithms developed to predict the effect of missense changes on protein structure and function (SIFT, PolyPhen-2, Align-GVGD) all suggest that this variant is likely to be disruptive, but these predictions have not been confirmed by published functional studies and their clinical significance is uncertain. This sequence change replaces serine with arginine at codon 108 of the DDC protein (p.Ser108Arg). The serine residue is highly conserved and there is a moderate physicochemical difference between serine and arginine. This variant is not present in population databases (ExAC no frequency). This variant has not been reported in the literature in individuals with DDC-related conditions.

Literature cited by the submitters: PubMed 32369189 (cited by Women's Health and Genetics/Laboratory Corporation of America, LabCorp); PubMed 37348148 (cited by Women's Health and Genetics/Laboratory Corporation of America, LabCorp).